The following is an entry in ClinVar:

NM_175875.5(SIX5):c.988del (p.Ala330fs)

Genes: SIX5 (SIX homeobox 5; minus strand), LOC107075317 (origin of replication in DMPK trinucleotide repeat region; plus strand). Cytogenetic location: 19q13.32.
Variant type: Deletion.
Coding change: c.988del on transcript NM_175875.5 (MANE Select); coding-DNA position 988, one base deleted (G; older notation c.988delG).
Protein change: p.Ala330fs; shifts the reading frame from alanine 330.
Molecular consequence: frameshift variant.
Genome position (GRCh38, 1-based): chr19:45,766,971, C deleted on the plus strand (G on the coding strand, the reverse complement: SIX5 is on the minus strand). VCF-style (leftmost placement, unchanged base first): chr19-45766970-GC-G. GRCh37 (hg19) VCF-style: chr19-46270228-GC-G.
Other names: short protein forms A330fs.
Identifiers: ClinVar variation 3658144 (VCV003658144.2).

ClinVar aggregate classification (germline): Uncertain significance (1 of 4 stars; one submission).

Submission:

Labcorp Genetics (formerly Invitae), Labcorp
Classification: Uncertain significance. Last evaluated: 2024-07-04. Review status: criteria provided, single submitter. Criteria: Invitae Variant Classification Sherloc (09022015). Collection method: clinical testing. Allele origin: germline.
Comment: This sequence change creates a premature translational stop signal (p.Ala330Profs*137) in the SIX5 gene. It is expected to result in an absent or disrupted protein product. However, the current clinical and genetic evidence is not sufficient to establish whether loss-of-function variants in SIX5 cause disease. This variant is not present in population databases (gnomAD no frequency). This variant has not been reported in the literature in individuals affected with SIX5-related conditions. In summary, the available evidence is currently insufficient to determine the role of this variant in disease. Therefore, it has been classified as a Variant of Uncertain Significance.